The following is an entry in ClinVar:

NM_000141.5(FGFR2):c.212G>T (p.Ser71Ile)

Gene: FGFR2 (fibroblast growth factor receptor 2; minus strand). Cytogenetic location: 10q26.13.
Variant type: single nucleotide variant.
Coding change: c.212G>T on transcript NM_000141.5 (MANE Select); coding-DNA position 212, G replaced by T.
Protein change: p.Ser71Ile; replaces serine 71 with isoleucine.
Molecular consequence: missense variant. On other transcripts: intron variant (9).
Genome position (GRCh38, 1-based): chr10:121,565,602, C>A on the plus strand (G>T on the coding strand, the complement: FGFR2 is on the minus strand). VCF-style: chr10-121565602-C-A. GRCh37 (hg19) VCF-style: chr10-123325116-C-A.
Other names: c.212G>T, p.Ser71Ile (NM_001144913.1, NM_001144914.1, NM_001144917.2 and 3 more transcripts); c.110-14143G>T (NM_001144918.2, NM_001441091.1, NM_001441090.1 and 1 more transcripts); c.110-1023G>T (NM_001441089.1, NM_023029.3, NM_001441088.1 and 2 more transcripts); short protein forms S71I.
Identifiers: ClinVar variation 1431550 (VCV001431550.8), dbSNP rs2135119186, ClinGen allele CA378325255.

ClinVar aggregate classification (germline): Uncertain significance (1 of 4 stars; one submission).

Conditions:
FGFR2-related craniosynostosis. Identifiers: MedGen CN231480.

Submission:

Labcorp Genetics (formerly Invitae), Labcorp
Classification: Uncertain significance for FGFR2-related craniosynostosis. Last evaluated: 2021-07-26. Review status: criteria provided, single submitter. Criteria: Invitae Variant Classification Sherloc (09022015). Collection method: clinical testing. Allele origin: germline.
Comment: This variant is not present in population databases (ExAC no frequency). In summary, the available evidence is currently insufficient to determine the role of this variant in disease. Therefore, it has been classified as a Variant of Uncertain Significance. Algorithms developed to predict the effect of missense changes on protein structure and function output the following: SIFT: "Deleterious"; PolyPhen-2: "Benign"; Align-GVGD: "Class C0". The isoleucine amino acid residue is found in multiple mammalian species, which suggests that this missense change does not adversely affect protein function. This variant has not been reported in the literature in individuals affected with FGFR2-related conditions. This sequence change replaces serine with isoleucine at codon 71 of the FGFR2 protein (p.Ser71Ile). The serine residue is moderately conserved and there is a large physicochemical difference between serine and isoleucine.